The following is an entry in ClinVar:

ClinVar aggregate classification (germline): Conflicting classifications of pathogenicity. Review status: criteria provided, conflicting classifications (1 of 4 stars). 3 submissions from 3 submitters: Uncertain significance (1); Likely benign (2). Last evaluated 2024-04-10.

Conditions:
Dyskeratosis congenita. Identifiers: Orphanet 1775, MedGen C0265965, MONDO:0015780.
Pulmonary fibrosis and/or bone marrow failure, Telomere-related, 3. Also called: PULMONARY FIBROSIS AND/OR BONE MARROW FAILURE SYNDROME, TELOMERE-RELATED, 3. Identifiers: Orphanet 2032, MedGen C4225346, MONDO:0014613, OMIM 616373.
Dyskeratosis congenita, autosomal recessive 5 (DKCB5). Identifiers: MedGen C3554656, MONDO:0014076, OMIM 615190.

gnomAD v4.1: 30 of 1,612,120 alleles (0.0019%); highest among the groups gnomAD compares: East Asian, 0.0022%; no homozygotes.

Submissions (3):

Labcorp Genetics (formerly Invitae), Labcorp
Classification: Likely benign for Dyskeratosis congenita, autosomal recessive 5; Pulmonary fibrosis and/or bone marrow failure, Telomere-related, 3. Last evaluated: 2024-04-10. Review status: criteria provided, single submitter. Criteria: Invitae Variant Classification Sherloc (09022015). Collection method: clinical testing. Allele origin: germline.

Sema4
Classification: Uncertain significance for Dyskeratosis congenita. Last evaluated: 2022-01-25. Review status: criteria provided, single submitter. Criteria: Sema4 Curation Guidelines. Collection method: curation. Allele origin: germline.
Comment: The RTEL1 c.2852-12C>T variant has not been reported in the literature to our knowledge. It was observed in 5/127082 chromosomes of the European (non-Finnish) subpopulation, in the large and broad cohorts of the Genome Aggregation Database (PMID: 32461654). This variant has not been reported in ClinVar. In silico tools suggest that the variant does not have an impact on splicing, though these predictions have not been confirmed by functional studies. The evidence is insufficient to meet ACMG/AMP criteria for classifying the variant as benign or pathogenic. Thus, the clinical significance of this variant is currently uncertain.

Blueprint Genetics
Classification: Likely benign. Last evaluated: 2021-04-29. Review status: criteria provided, single submitter. Criteria: ACMG Guidelines, 2015. Collection method: clinical testing. Allele origin: germline.

NM_001283009.2(RTEL1):c.2852-12C>T

Genes: RTEL1 (regulator of telomere elongation helicase 1; plus strand), RTEL1-TNFRSF6B (RTEL1-TNFRSF6B readthrough (NMD candidate); plus strand). Cytogenetic location: 20q13.33.
Variant type: single nucleotide variant.
Coding change: c.2852-12C>T on transcript NM_001283009.2 (MANE Select); 12 bases into the intron before coding-DNA position 2852, C replaced by T.
Molecular consequence: intron variant.
Genome position (GRCh38, 1-based): chr20:63,693,131, C>T. VCF-style: chr20-63693131-C-T. GRCh37 (hg19) VCF-style: chr20-62324484-C-T.
Other names: c.2183-12C>T (NM_001283010.1); c.2924-12C>T (NM_032957.5); c.2852-12C>T (NM_016434.4).
Identifiers: ClinVar variation 1692624 (VCV001692624.7), dbSNP rs745776915, ClinGen allele CA9965630.